The following is an entry in ClinVar:

ClinVar aggregate classification (germline): Uncertain significance (1 of 4 stars; one submission).

Conditions:
Mowat-Wilson syndrome (MOWS). Also called: Classic Mowat-Wilson Syndrome. Identifiers: Orphanet 2152, MedGen C1856113, MONDO:0009341, OMIM 235730.

Allele frequency attached by ClinVar (database versions not stated): TOPMed below 0.00001.

Submission:

Labcorp Genetics (formerly Invitae), Labcorp
Classification: Uncertain significance for Mowat-Wilson syndrome. Last evaluated: 2026-02-03. Review status: criteria provided, single submitter. Criteria: Invitae Variant Classification Sherloc (09022015). Collection method: clinical testing. Allele origin: germline.
Comment: This sequence change replaces serine, which is neutral and polar, with phenylalanine, which is neutral and non-polar, at codon 71 of the ZEB2 protein (p.Ser71Phe). This variant is not present in population databases (gnomAD no frequency). This variant has not been reported in the literature in individuals affected with ZEB2-related conditions. ClinVar contains an entry for this variant (Variation ID: 2999767). An algorithm developed to predict the effect of missense changes on protein structure and function (PolyPhen-2) suggests that this variant is likely to be disruptive. In summary, the available evidence is currently insufficient to determine the role of this variant in disease. Therefore, it has been classified as a Variant of Uncertain Significance.

NM_014795.4(ZEB2):c.212C>T (p.Ser71Phe)

Gene: ZEB2 (zinc finger E-box binding homeobox 2; minus strand). Cytogenetic location: 2q22.3.
Variant type: single nucleotide variant.
Coding change: c.212C>T on transcript NM_014795.4 (MANE Select); coding-DNA position 212, C replaced by T.
Protein change: p.Ser71Phe; replaces serine 71 with phenylalanine.
Molecular consequence: missense variant.
Genome position (GRCh38, 1-based): chr2:144,429,888, G>A on the plus strand (C>T on the coding strand, the complement: ZEB2 is on the minus strand). VCF-style: chr2-144429888-G-A. GRCh37 (hg19) VCF-style: chr2-145187455-G-A.
Other names: c.212C>T, p.Ser71Phe (NM_001171653.2); short protein forms S71F.
Identifiers: ClinVar variation 2999767 (VCV002999767.3), dbSNP rs1703746168, ClinGen allele CA348718820.